The following is an entry in ClinVar:

ClinVar aggregate classification (germline): Conflicting classifications of pathogenicity. Review status: criteria provided, conflicting classifications (1 of 4 stars). 2 submissions from 2 submitters: Uncertain significance (1); Likely benign (1). Last evaluated 2025-05-24.

Conditions:
Cardiovascular phenotype. Identifiers: MedGen CN230736.
Long QT syndrome (LQTS). Identifiers: MedGen C0023976, MeSH D008133, MONDO:0002442. Disease mechanism: loss of function. Inheritance: Various modes of inheritance.

Allele frequency attached by ClinVar (database versions not stated): gnomAD exomes 0.00001.
gnomAD v4.1: 8 of 1,613,998 alleles (0.0005%); highest among the groups gnomAD compares: Non-Finnish European, 0.00068%; no homozygotes.

Submissions (2):

Ambry Genetics
Classification: Likely benign for Cardiovascular phenotype. Last evaluated: 2025-05-24. Review status: criteria provided, single submitter. Criteria: Ambry Variant Classification Scheme 2023. Collection method: clinical testing. Allele origin: germline.

Labcorp Genetics (formerly Invitae), Labcorp
Classification: Uncertain significance for Long QT syndrome. Last evaluated: 2023-04-01. Review status: criteria provided, single submitter. Criteria: Invitae Variant Classification Sherloc (09022015). Collection method: clinical testing. Allele origin: germline.
Comment: This variant is not present in population databases (gnomAD no frequency). This sequence change replaces asparagine, which is neutral and polar, with aspartic acid, which is acidic and polar, at codon 1470 of the AKAP9 protein (p.Asn1470Asp). This variant has not been reported in the literature in individuals affected with AKAP9-related conditions. Algorithms developed to predict the effect of missense changes on protein structure and function output the following: SIFT: "Not Available"; PolyPhen-2: "Benign"; Align-GVGD: "Not Available". The aspartic acid amino acid residue is found in multiple mammalian species, which suggests that this missense change does not adversely affect protein function. In summary, the available evidence is currently insufficient to determine the role of this variant in disease. Therefore, it has been classified as a Variant of Uncertain Significance.

NM_005751.5(AKAP9):c.4408A>G (p.Asn1470Asp)

Gene: AKAP9 (A-kinase anchoring protein 9; plus strand). Cytogenetic location: 7q21.2.
Variant type: single nucleotide variant.
Coding change: c.4408A>G on transcript NM_005751.5 (MANE Select); coding-DNA position 4408, A replaced by G.
Protein change: p.Asn1470Asp; replaces asparagine 1470 with aspartic acid.
Molecular consequence: missense variant.
Genome position (GRCh38, 1-based): chr7:92,038,488, A>G. VCF-style: chr7-92038488-A-G. GRCh37 (hg19) VCF-style: chr7-91667802-A-G.
Other names: c.4408A>G, p.Asn1470Asp (NM_147185.3); short protein forms N1470D.
Identifiers: ClinVar variation 2978108 (VCV002978108.4), dbSNP rs2484807687, ClinGen allele CA368128684.